The following is an entry in ClinVar:

ClinVar aggregate classification (germline): Likely pathogenic. Review status: criteria provided, multiple submitters, no conflicts (2 of 4 stars). 2 submissions from 2 submitters: Likely pathogenic (2). Last evaluated 2022-05-19.

Conditions:
Encephalopathy. Also called: Unspecified encephalopathy. Identifiers: MedGen C0085584, HP:0001298.
Developmental and epileptic encephalopathy 93. Also called: EPILEPTIC ENCEPHALOPATHY, INFANTILE OR EARLY CHILDHOOD, 3. Identifiers: MedGen C4693934, MONDO:0020632, OMIM 618012.

Submissions (2):

Institute of Human Genetics, University of Leipzig Medical Center
Classification: Likely pathogenic for Developmental and epileptic encephalopathy 93. Last evaluated: 2022-05-19. Review status: criteria provided, single submitter. Criteria: ACMG Guidelines, 2015. Collection method: clinical testing. Allele origin: de novo. Inheritance: Autosomal dominant inheritance. Affected: yes.
Comment: Criteria applied: PS2_MOD,PS4_SUP,PM2_SUP,PP2,PP3

Equipe Genetique des Anomalies du Developpement, Université de Bourgogne
Classification: Likely pathogenic for Encephalopathy. Review status: criteria provided, single submitter. Criteria: ACMG Guidelines, 2015. Collection method: clinical testing. Allele origin: de novo. Affected: yes.

NM_001690.4(ATP6V1A):c.790T>C (p.Ser264Pro)

Gene: ATP6V1A (ATPase H+ transporting V1 subunit A; plus strand). Cytogenetic location: 3q13.31.
Variant type: single nucleotide variant.
Coding change: c.790T>C on transcript NM_001690.4 (MANE Select); coding-DNA position 790, T replaced by C.
Protein change: p.Ser264Pro; replaces serine 264 with proline.
Molecular consequence: missense variant.
Genome position (GRCh38, 1-based): chr3:113,788,786, T>C. VCF-style: chr3-113788786-T-C. GRCh37 (hg19) VCF-style: chr3-113507633-T-C.
Other names: short protein forms S264P.
Identifiers: ClinVar variation 1172608 (VCV001172608.5), dbSNP rs2108033397, ClinGen allele CA354014008.